The following is an entry in ClinVar:

ClinVar aggregate classification (germline): Likely benign (1 of 4 stars; one submission).

Conditions:
PLXNA1-related disorder. Also called: PLXNA1-related condition.

Submission:

PreventionGenetics, part of Exact Sciences
Classification: Likely benign for PLXNA1-related condition. Last evaluated: 2025-02-07. Review status: criteria provided, single submitter. Criteria: ACMG Guidelines, 2015. Collection method: clinical testing. Allele origin: germline.
Comment: This variant is classified as likely benign based on ACMG/AMP sequence variant interpretation guidelines (Richards et al. 2015 PMID: 25741868, with internal and published modifications).

NM_032242.4(PLXNA1):c.1551G>A (p.Gln517=)

Gene: PLXNA1 (plexin A1; plus strand). Cytogenetic location: 3q21.3.
Variant type: single nucleotide variant.
Coding change: c.1551G>A on transcript NM_032242.4 (MANE Select); coding-DNA position 1551, G replaced by A.
Protein change: p.Gln517=; no amino-acid change (glutamine 517 retained).
Molecular consequence: synonymous variant.
Genome position (GRCh38, 1-based): chr3:127,004,643, G>A. VCF-style: chr3-127004643-G-A. GRCh37 (hg19) VCF-style: chr3-126723486-G-A.
Identifiers: ClinVar variation 4984024 (VCV004984024.1).
Genomic context (GRCh38, chr3:127,004,643, plus strand): 5'-GAGGGGCCTGACACCTCCCCCACACCAGGTGACGCGGGTGCCTGTGGAGAGCTGTGTGCA[G>A]TACACGTCCTGTGAGCTGTGTCTGGGGTCACGGGACCCCCACTGTGGCTGGTGTGTCCTG-3'
Protein context (NP_115618.3, residues 507-527): VTRVPVESCV[Gln517=]YTSCELCLGS